The following is an entry in ClinVar:

ClinVar aggregate classification (germline): Benign/Likely benign. Review status: criteria provided, multiple submitters, no conflicts (2 of 4 stars). 4 submissions from 4 submitters: Benign (1); Likely benign (3). Last evaluated 2025-10-18.

Conditions:
MC1R-related disorder. Also called: MC1R-related condition.
Melanoma, cutaneous malignant, susceptibility to, 5. Also called: Cutaneous malignant melanoma 5. Identifiers: Orphanet 618, MedGen C2751295, MONDO:0013133, OMIM 613099.

Allele frequency attached by ClinVar (database versions not stated): 1000 Genomes Project 30x 0.00016; 1000 Genomes Project 0.00020; gnomAD exomes 0.00034 and 0.00045; gnomAD 0.00036 and 0.00039; ExAC 0.00043; ESP Exome Variant Server 0.00048; TOPMed 0.00051.
gnomAD v4.1: 572 of 1,613,310 alleles (0.035%); highest among the groups gnomAD compares: Middle Eastern, 0.082%; no homozygotes.

Submissions (4):

Labcorp Genetics (formerly Invitae), Labcorp
Classification: Likely benign for Melanoma, cutaneous malignant, susceptibility to, 5. Last evaluated: 2025-10-18. Review status: criteria provided, single submitter. Criteria: Invitae Variant Classification Sherloc (09022015). Collection method: clinical testing. Allele origin: germline.

PreventionGenetics, part of Exact Sciences
Classification: Likely benign for MC1R-related condition. Last evaluated: 2025-07-03. Review status: criteria provided, single submitter. Criteria: ACMG Guidelines, 2015. Collection method: clinical testing. Allele origin: germline.
Comment: This variant is classified as likely benign based on ACMG/AMP sequence variant interpretation guidelines (Richards et al. 2015 PMID: 25741868, with internal and published modifications).

Illumina Laboratory Services, Illumina
Classification: Benign for Melanoma, cutaneous malignant, susceptibility to, 5. Last evaluated: 2017-04-28. Review status: criteria provided, single submitter. Criteria: ICSL Variant Classification Criteria 13 December 2019. Collection method: clinical testing. Allele origin: germline.
Comment: This variant was observed as part of a predisposition screen in an ostensibly healthy population. A literature search was performed for the gene, cDNA change, and amino acid change (where applicable). Publications were found based on this search. The evidence from the literature, in combination with allele frequency data from public databases where available, was sufficient to rule this variant out of causing disease. Therefore, this variant is classified as benign.

Breakthrough Genomics
Classification: Likely benign. Review status: criteria provided, single submitter. Criteria: ACMG Guidelines, 2015. Collection method: not provided. Allele origin: germline. Inheritance: Autosomal recessive inheritance. Affected: yes.

Literature cited by the submitters: PubMed 24335900 (cited by Illumina Laboratory Services, Illumina); PubMed 19269164 (cited by Illumina Laboratory Services, Illumina); PubMed 20629734 (cited by Illumina Laboratory Services, Illumina); PubMed 18067130 (cited by Illumina Laboratory Services, Illumina); PubMed 17434924 (cited by Illumina Laboratory Services, Illumina); PubMed 23522749 (cited by Illumina Laboratory Services, Illumina); PubMed 18402696 (cited by Illumina Laboratory Services, Illumina); PubMed 15221796 (cited by Illumina Laboratory Services, Illumina).

NM_002386.4(MC1R):c.133T>C (p.Phe45Leu)

Gene: MC1R (melanocortin 1 receptor; plus strand). Cytogenetic location: 16q24.3.
Variant type: single nucleotide variant.
Coding change: c.133T>C on transcript NM_002386.4 (MANE Select); coding-DNA position 133, T replaced by C.
Protein change: p.Phe45Leu; replaces phenylalanine 45 with leucine.
Molecular consequence: missense variant.
Genome position (GRCh38, 1-based): chr16:89,919,391, T>C. VCF-style: chr16-89919391-T-C. GRCh37 (hg19) VCF-style: chr16-89985799-T-C.
Other names: short protein forms F45L.
Identifiers: ClinVar variation 470702 (VCV000470702.17), dbSNP rs61996344, ClinGen allele CA8255496.